The following is an entry in ClinVar:

ClinVar aggregate classification (germline): Conflicting classifications of pathogenicity. Review status: criteria provided, conflicting classifications (1 of 4 stars). 6 submissions from 6 submitters: Uncertain significance (2); Likely benign (4). Last evaluated 2025-10-13.

Conditions:
Long QT syndrome (LQTS). Identifiers: MedGen C0023976, MeSH D008133, MONDO:0002442. Disease mechanism: loss of function. Inheritance: Various modes of inheritance.
Cardiovascular phenotype. Identifiers: MedGen CN230736.
Cardiac arrhythmia. Also called: Arrhythmia; Cardiac rhythm disease. Identifiers: MedGen C0003811, MONDO:0007263, HP:0011675.

Allele frequency attached by ClinVar (database versions not stated): TOPMed 0.00002.
gnomAD v4.1: 23 of 1,559,440 alleles (0.0015%); highest among the groups gnomAD compares: Non-Finnish European, 0.0019%; no homozygotes.

Submissions (6):

Labcorp Genetics (formerly Invitae), Labcorp
Classification: Likely benign for Long QT syndrome. Last evaluated: 2025-10-13. Review status: criteria provided, single submitter. Criteria: Invitae Variant Classification Sherloc (09022015). Collection method: clinical testing. Allele origin: germline.

Ambry Genetics
Classification: Uncertain significance for Cardiovascular phenotype. Last evaluated: 2024-06-04. Review status: criteria provided, single submitter. Criteria: Ambry Variant Classification Scheme 2023. Collection method: clinical testing. Allele origin: germline.
Comment: The c.1596G>T variant (also known as p.A532A), located in coding exon 13 of the KCNQ1 gene, results from a G to T substitution at nucleotide position 1596. This nucleotide substitution does not change the alanine at codon 532. This nucleotide position is poorly conserved in available vertebrate species. In silico splice site analysis predicts that this alteration may result in the creation or strengthening of a novel splice acceptor site. Based on the available evidence, the clinical significance of this variant remains unclear.

All of Us Research Program, National Institutes of Health
Classification: Likely benign for Long QT syndrome. Last evaluated: 2024-05-30. Review status: criteria provided, single submitter. Criteria: ACMG Guidelines, 2015. Collection method: clinical testing. Allele origin: germline. Inheritance: Autosomal dominant inheritance. Observed: 5 variant alleles, 5 heterozygotes.
Comment: This study involves interpretation of variants in research participants for the purpose of population health screening. Participant phenotype was not available at the time of variant classification. Additional details can be found in publication PMID: 35346344, PMCID: PMC8962531

Blueprint Genetics
Classification: Uncertain significance. Last evaluated: 2023-09-14. Review status: criteria provided, single submitter. Criteria: ACMG Guidelines, 2015. Collection method: clinical testing. Allele origin: germline.

Color Diagnostics, LLC DBA Color Health
Classification: Likely benign for Arrhythmia. Last evaluated: 2019-03-30. Review status: criteria provided, single submitter. Criteria: ACMG Guidelines, 2015. Collection method: clinical testing. Allele origin: germline.

GeneDx
Classification: Likely benign. Last evaluated: 2017-01-18. Review status: criteria provided, single submitter. Criteria: GeneDx Variant Classification (06012015). Collection method: clinical testing. Allele origin: germline. Affected: yes.
Comment: This variant is considered likely benign or benign based on one or more of the following criteria: it is a conservative change, it occurs at a poorly conserved position in the protein, it is predicted to be benign by multiple in silico algorithms, and/or has population frequency not consistent with disease.

NM_000218.3(KCNQ1):c.1596G>T (p.Ala532=)

Gene: KCNQ1 (potassium voltage-gated channel subfamily Q member 1; plus strand). Cytogenetic location: 11p15.5.
Variant type: single nucleotide variant.
Coding change: c.1596G>T on transcript NM_000218.3 (MANE Select); coding-DNA position 1596, G replaced by T.
Protein change: p.Ala532=; no amino-acid change (alanine 532 retained).
Molecular consequence: synonymous variant.
Genome position (GRCh38, 1-based): chr11:2,775,965, G>T. VCF-style: chr11-2775965-G-T. GRCh37 (hg19) VCF-style: chr11-2797195-G-T.
Other names: c.1500G>T, p.Ala500= (NM_001406836.1); c.1326G>T, p.Ala442= (NM_001406837.1); c.1056G>T, p.Ala352= (NM_001406838.1); c.1215G>T, p.Ala405= (NM_181798.2).
Identifiers: ClinVar variation 517686 (VCV000517686.18), dbSNP rs558452873, ClinGen allele CA216320417.